The following is an entry in ClinVar:

ClinVar aggregate classification (germline): Uncertain significance (1 of 4 stars; one submission).

Submission:

Ambry Genetics
Classification: Uncertain significance. Last evaluated: 2026-02-17. Review status: criteria provided, single submitter. Criteria: Ambry Variant Classification Scheme 2023. Collection method: clinical testing. Allele origin: germline.
Comment: The p.T710S variant (also known as c.2128A>T), located in coding exon 12 of the ATRIP gene, results from an A to T substitution at nucleotide position 2128. The threonine at codon 710 is replaced by serine, an amino acid with similar properties. This amino acid position is conserved. In addition, this alteration is predicted to be tolerated by in silico analysis. Based on the available evidence, the clinical significance of this variant remains unclear.

NM_130384.3(ATRIP):c.2128A>T (p.Thr710Ser)

Genes: ATRIP (ATR interacting protein; plus strand), ATRIP-TREX1 (ATRIP-TREX1 readthrough; plus strand). Cytogenetic location: 3p21.31.
Variant type: single nucleotide variant.
Coding change: c.2128A>T on transcript NM_130384.3 (MANE Select); coding-DNA position 2128, A replaced by T.
Protein change: p.Thr710Ser; replaces threonine 710 with serine.
Molecular consequence: missense variant. On other transcripts: non-coding transcript variant (1).
Genome position (GRCh38, 1-based): chr3:48,464,903, A>T. VCF-style: chr3-48464903-A-T. GRCh37 (hg19) VCF-style: chr3-48506302-A-T.
Other names: c.1747A>T, p.Thr583Ser (NM_001271022.2); c.1849A>T, p.Thr617Ser (NM_001271023.2); c.2047A>T, p.Thr683Ser (NM_032166.4); short protein forms T583S, T683S, T710S, T617S.
Identifiers: ClinVar variation 4844948 (VCV004844948.1).
Genomic context (GRCh38, chr3:48,464,903, plus strand): 5'-CTCACGGTGATGTTGCACAGACAGTGGCTGACAGTGCGGAGGGCAGGGGGACCCCCAAGG[A>T]CCGACCAGCAGAGGCGGACAGTGCGCTGTCTGCGGGACACGGTGCTGCTGCTGCACGGCC-3'
Protein context (NP_569055.1, residues 700-720): TVRRAGGPPR[Thr710Ser]DQQRRTVRCL